The following is an entry in ClinVar:

ClinVar aggregate classification (germline): Likely pathogenic (1 of 4 stars; one submission).

Submission:

GeneDx
Classification: Likely pathogenic. Last evaluated: 2016-08-30. Review status: criteria provided, single submitter. Criteria: GeneDx Variant Classification (06012015). Collection method: clinical testing. Allele origin: germline. Affected: yes.
Comment: The c.401delC variant in the COL1A2 gene has not been reported previously as a pathogenic variant nor as a benign variant, to our knowledge. The c.401delC variant causes a frameshift starting with codon Proline 134, changes this amino acid to a Glutamine residue, and creates a premature Stop codon at position 55 of the new reading frame, denoted p.Pro134GlnfsX55. This variant is predicted to cause loss of normal protein function either through protein truncation or nonsense-mediated mRNA decay. The c.401delC variant was not observed in approximately 6500 individuals of European and African American ancestry in the NHLBI Exome Sequencing Project, indicating it is not a common benign variant in these populations. The c.401delC variant is a strong candidate for a pathogenic variant, however the possibility it may be a rare benign variant cannot be excluded.

NM_000089.4(COL1A2):c.401del (p.Pro134fs)

Gene: COL1A2 (collagen type I alpha 2 chain; plus strand). Cytogenetic location: 7q21.3.
Variant type: Deletion.
Coding change: c.401del on transcript NM_000089.4 (MANE Select); coding-DNA position 401, one base deleted (C; older notation c.401delC).
Protein change: p.Pro134fs; shifts the reading frame from proline 134.
Molecular consequence: frameshift variant.
Genome position (GRCh38, 1-based): chr7:94,404,861, C deleted; the last of 2 consecutive C bases (chr7:94,404,860-94,404,861); deleting either gives the same sequence. VCF-style (leftmost placement, unchanged base first): chr7-94404859-TC-T. GRCh37 (hg19) VCF-style: chr7-94034171-TC-T.
Other names: c.401delC (NM_000089.3); short protein forms P134fs.
Identifiers: ClinVar variation 373007 (VCV000373007.1), dbSNP rs1057518136, ClinGen allele CA16042604.
Genomic context (GRCh38, chr7:94,404,859, plus strand): 5'-ATATAACCTTAGTGAAATGATGGGTCTCCCATTTTCTTAGGGTCCTGCAGGTGCTCGTGG[TC>T]CAGCTGGCCCTCCTGGCAAGGCTGGTGAAGATGTAAGTATTTACTCTTAAGCACTTTCAA-3'